The following is an entry in ClinVar:

NM_207371.4(SKIDA1):c.558C>G (p.Arg186=)

Gene: SKIDA1 (SKI/DACH domain containing 1; minus strand). Cytogenetic location: 10p12.31.
Variant type: single nucleotide variant.
Coding change: c.558C>G on transcript NM_207371.4 (MANE Select); coding-DNA position 558, C replaced by G.
Protein change: p.Arg186=; no amino-acid change (arginine 186 retained).
Molecular consequence: synonymous variant.
Genome position (GRCh38, 1-based): chr10:21,517,265, G>C on the plus strand (C>G on the coding strand, the complement: SKIDA1 is on the minus strand). VCF-style: chr10-21517265-G-C. GRCh37 (hg19) VCF-style: chr10-21806194-G-C.
Identifiers: ClinVar variation 3035863 (VCV003035863.2), dbSNP rs779528225, ClinGen allele CA5434216.

ClinVar aggregate classification (germline): Likely benign (0 of 4 stars; one submission).

Conditions:
SKIDA1-related disorder. Also called: SKIDA1-related condition.

Allele frequency attached by ClinVar (database versions not stated): TOPMed 0.00002; ExAC 0.00007.

Submission:

PreventionGenetics, part of Exact Sciences
Classification: Likely benign for SKIDA1-related condition. Last evaluated: 2019-07-29. Review status: no assertion criteria provided. Collection method: clinical testing. Allele origin: germline.
Comment: This variant is classified as likely benign based on ACMG/AMP sequence variant interpretation guidelines (Richards et al. 2015 PMID: 25741868, with internal and published modifications).